The following is an entry in ClinVar:

ClinVar aggregate classification (germline): Uncertain significance. Review status: criteria provided, multiple submitters, no conflicts (2 of 4 stars). 3 submissions from 3 submitters: Uncertain significance (3). Last evaluated 2025-03-16.

Conditions:
Inborn genetic diseases. Identifiers: MedGen C0950123, MeSH D030342.

Allele frequency attached by ClinVar (database versions not stated): ExAC 0.00002; gnomAD exomes 0.00002; TOPMed 0.00002; gnomAD 0.00003.

Submissions (3):

Labcorp Genetics (formerly Invitae), Labcorp
Classification: Uncertain significance. Last evaluated: 2025-03-16. Review status: criteria provided, single submitter. Criteria: Invitae Variant Classification Sherloc (09022015). Collection method: clinical testing. Allele origin: germline.
Comment: This sequence change replaces phenylalanine, which is neutral and non-polar, with tyrosine, which is neutral and polar, at codon 74 of the AARS2 protein (p.Phe74Tyr). This variant is present in population databases (rs757169781, gnomAD 0.004%). This variant has not been reported in the literature in individuals affected with AARS2-related conditions. ClinVar contains an entry for this variant (Variation ID: 213966). Invitae Evidence Modeling of protein sequence and biophysical properties (such as structural, functional, and spatial information, amino acid conservation, physicochemical variation, residue mobility, and thermodynamic stability) indicates that this missense variant is expected to disrupt AARS2 protein function with a positive predictive value of 80%. In summary, the available evidence is currently insufficient to determine the role of this variant in disease. Therefore, it has been classified as a Variant of Uncertain Significance.

Ambry Genetics
Classification: Uncertain significance for Inborn genetic diseases. Last evaluated: 2024-05-08. Review status: criteria provided, single submitter. Criteria: Ambry Variant Classification Scheme 2023. Collection method: clinical testing. Allele origin: germline.

CeGaT Center for Human Genetics Tuebingen
Classification: Uncertain significance. Last evaluated: 2017-06-01. Review status: criteria provided, single submitter. Criteria: CeGaT Center For Human Genetics Tuebingen Variant Classification Criteria Version 2. Collection method: clinical testing. Allele origin: germline. Affected: yes. Observed: 1 variant allele.

NM_020745.4(AARS2):c.221T>A (p.Phe74Tyr)

Gene: AARS2 (alanyl-tRNA synthetase 2, mitochondrial; minus strand). Cytogenetic location: 6p21.1.
Variant type: single nucleotide variant.
Coding change: c.221T>A on transcript NM_020745.4 (MANE Select); coding-DNA position 221, T replaced by A.
Protein change: p.Phe74Tyr; replaces phenylalanine 74 with tyrosine.
Molecular consequence: missense variant.
Genome position (GRCh38, 1-based): chr6:44,313,103, A>T on the plus strand (T>A on the coding strand, the complement: AARS2 is on the minus strand). VCF-style: chr6-44313103-A-T. GRCh37 (hg19) VCF-style: chr6-44280840-A-T.
Other names: short protein forms F74Y.
Identifiers: ClinVar variation 213966 (VCV000213966.48), dbSNP rs757169781, ClinGen allele CA320259.